The following is an entry in ClinVar:

NM_000384.3(APOB):c.9550C>T (p.His3184Tyr)

Gene: APOB (apolipoprotein B; minus strand). Cytogenetic location: 2p24.1.
Variant type: single nucleotide variant.
Coding change: c.9550C>T on transcript NM_000384.3 (MANE Select); coding-DNA position 9550, C replaced by T.
Protein change: p.His3184Tyr; replaces histidine 3184 with tyrosine.
Molecular consequence: missense variant.
Genome position (GRCh38, 1-based): chr2:21,007,318, G>A on the plus strand (C>T on the coding strand, the complement: APOB is on the minus strand). VCF-style: chr2-21007318-G-A. GRCh37 (hg19) VCF-style: chr2-21230190-G-A.
Other names: short protein forms H3184Y.
Identifiers: ClinVar variation 1367308 (VCV001367308.17), dbSNP rs746911939, ClinGen allele CA066663.

ClinVar aggregate classification (germline): Conflicting classifications of pathogenicity. Review status: criteria provided, conflicting classifications (1 of 4 stars). 6 submissions from 6 submitters: Uncertain significance (4); Likely benign (2). Last evaluated 2025-11-26.

Conditions:
Familial hypobetalipoproteinemia 1. Also called: APOB-Related Familial Hypobetalipoproteinemia; Hypobetalipoproteinemia, normotriglyceridemic; Acanthocytosis with hypobetalipoproteinemia. Identifiers: MedGen C4551990, MONDO:0014252, OMIM 615558.
Hypercholesterolemia, autosomal dominant, type B (FHCL2). Also called: Familial Hypercholesterolemia Type B; APOLIPOPROTEIN B-100, FAMILIAL DEFECTIVE; APOLIPOPROTEIN B-100, FAMILIAL LIGAND-DEFECTIVE; HYPERCHOLESTEROLEMIA, FAMILIAL, DUE TO LIGAND-DEFECTIVE APOLIPOPROTEIN B; APOB-Related Familial Hypercholesterolemia, Autosomal Dominant; Familial hypercholesterolemia 2. Identifiers: MedGen C1704417, MONDO:0007751, OMIM 144010.
Familial hypercholesterolemia. Also called: Familial hypercholesterolemias; Familial hypercholesterolaemia. Identifiers: MedGen C0020445, MONDO:0005439.
Cardiovascular phenotype. Identifiers: MedGen CN230736.

Allele frequency attached by ClinVar (database versions not stated): ExAC 0.00002; TOPMed 0.00002; gnomAD 0.00003.
gnomAD v4.1: 20 of 1,613,944 alleles (0.0012%); highest among the groups gnomAD compares: South Asian, 0.0033%; no homozygotes.

Submissions (6):

Ambry Genetics
Classification: Likely benign for Cardiovascular phenotype. Last evaluated: 2025-11-26. Review status: criteria provided, single submitter. Criteria: Ambry Variant Classification Scheme 2023. Collection method: clinical testing. Allele origin: germline.

Genetics Laboratory, Great Ormond Street Hospital NHS Foundation Trust, North Thames Genomic Laboratory Hub
Classification: Uncertain significance for Familial hypercholesterolaemia. Last evaluated: 2025-08-19. Review status: criteria provided, single submitter. Criteria: ACGS Best Practice Guidelines for Variant Classification in Rare Disease 2024 v1.2. Collection method: clinical testing. Allele origin: germline. Affected: yes.
Comment: PM2_moderate, PM1_moderate

Labcorp Genetics (formerly Invitae), Labcorp
Classification: Likely benign for Familial hypobetalipoproteinemia 1; Hypercholesterolemia, autosomal dominant, type B. Last evaluated: 2025-07-29. Review status: criteria provided, single submitter. Criteria: Invitae Variant Classification Sherloc (09022015). Collection method: clinical testing. Allele origin: germline.

Women's Health and Genetics/Laboratory Corporation of America, LabCorp
Classification: Uncertain significance. Last evaluated: 2025-01-13. Review status: criteria provided, single submitter. Criteria: LabCorp Variant Classification Summary - May 2015. Collection method: clinical testing. Allele origin: germline.
Comment: Variant summary: APOB c.9550C>T (p.His3184Tyr) results in a conservative amino acid change in the encoded protein sequence. Four of five in-silico tools predict a benign effect of the variant on protein function. The variant allele was found at a frequency of 1.2e-05 in 250992 control chromosomes. The available data on variant occurrences in the general population are insufficient to allow any conclusion about variant significance. To our knowledge, no occurrence of c.9550C>T in individuals affected with Early Onset Coronary Artery Disease and no experimental evidence demonstrating its impact on protein function have been reported. ClinVar contains an entry for this variant (Variation ID: 1367308). Based on the evidence outlined above, the variant was classified as uncertain significance.

ARUP Laboratories, Molecular Genetics and Genomics, ARUP Laboratories
Classification: Uncertain significance. Last evaluated: 2024-05-08. Review status: criteria provided, single submitter. Criteria: ARUP Molecular Germline Variant Investigation Process 2024. Collection method: clinical testing. Allele origin: germline.
Comment: The APOB c.9550C>T; p.His3184Tyr variant (rs746911939), to our knowledge, is not reported in the medical literature but is reported in ClinVar (Variation ID: 1367308). This variant is found in the general population with an overall allele frequency of 0.001% (3/250,992 alleles) in the Genome Aggregation Database (v2.1.1). Computational analyses predict that this variant is neutral (REVEL: 0.05). However, given the lack of clinical and functional data, the significance of this variant is uncertain at this time.

GeneDx
Classification: Uncertain significance. Last evaluated: 2024-02-20. Review status: criteria provided, single submitter. Criteria: GeneDx Variant Classification Process June 2021. Collection method: clinical testing. Allele origin: germline. Affected: yes.
Comment: Has not been previously published as pathogenic or benign to our knowledge; Not observed at significant frequency in large population cohorts (gnomAD); In silico analysis supports that this missense variant has a deleterious effect on protein structure/function